The following is an entry in ClinVar:

ClinVar aggregate classification (germline): Pathogenic (1 of 4 stars; one submission).

Conditions:
Arrhythmogenic right ventricular dysplasia 9 (ARVD9). Also called: ARRHYTHMOGENIC RIGHT VENTRICULAR DYSPLASIA, FAMILIAL, 9; Arrhythmogenic Right Ventricular Dysplasia/Cardiomyopathy 9. Identifiers: MedGen C1836906, MONDO:0012180, OMIM 609040.

Submission:

Labcorp Genetics (formerly Invitae), Labcorp
Classification: Pathogenic for Arrhythmogenic right ventricular dysplasia 9. Last evaluated: 2021-08-04. Review status: criteria provided, single submitter. Criteria: Invitae Variant Classification Sherloc (09022015). Collection method: clinical testing. Allele origin: germline.
Comment: This variant is a gross deletion of the genomic region encompassing exon(s) 8 of the PKP2 gene. This deletion is out-of-frame, and is expected to create a premature translational stop signal and result in an absent or disrupted protein product. Loss-of-function variants in PKP2 are known to be pathogenic (PMID: 15489853, 23911551). A similar copy number variant has been observed in individual(s) with arrhythmogenic right ventricular cardiomyopathy (PMID: 21606396). For these reasons, this variant has been classified as Pathogenic.

Literature cited by the submitters: PubMed 15489853; PubMed 23911551; PubMed 21606396.

NC_000012.12:g.(?_32824035)_(32824172_?)del

Gene: PKP2 (plakophilin 2; minus strand). Cytogenetic location: 12p11.21.
Variant type: Deletion.
Identifiers: ClinVar variation 831856 (VCV000831856.6).